The following is an entry in ClinVar:

ClinVar aggregate classification (germline): Uncertain significance. Review status: criteria provided, multiple submitters, no conflicts (2 of 4 stars). 6 submissions from 4 submitters: Uncertain significance (6). Last evaluated 2025-07-02.

Conditions:
Amyotrophic lateral sclerosis type 5 (ALS5). Also called: AMYOTROPHIC LATERAL SCLEROSIS 5, JUVENILE. Identifiers: Orphanet 300605, MedGen C1865864, MONDO:0011196, OMIM 602099.
Inborn genetic diseases. Identifiers: MedGen C0950123, MeSH D030342.
Charcot-Marie-Tooth disease axonal type 2X. Also called: CHARCOT-MARIE-TOOTH DISEASE, AXONAL, AUTOSOMAL RECESSIVE, TYPE 2X; CHARCOT-MARIE-TOOTH NEUROPATHY, TYPE 2X. Identifiers: Orphanet 466775, MedGen C5569024, MONDO:0014726, OMIM 616668.
Hereditary spastic paraplegia 11. Also called: Spastic paraplegia, mental retardation and thin corpus callosum; SPASTIC PARAPLEGIA, AUTOSOMAL RECESSIVE, COMPLICATED, WITH THIN CORPUS CALLOSUM; SPASTIC PARAPLEGIA, AUTOSOMAL RECESSIVE, WITH MENTAL IMPAIRMENT AND THIN CORPUS CALLOSUM; Nakamura Osame syndrome; Autosomal recessive hereditary spastic paraplegia, mental impairment, and thin corpus callosum; Spastic Paraplegia 11. Identifiers: Orphanet 2822, MedGen C1858479, MONDO:0011445, OMIM 604360.

Allele frequency attached by ClinVar (database versions not stated): TOPMed 0.00002; gnomAD exomes 0.00003; gnomAD 0.00004.
gnomAD v4.1: 94 of 1,614,052 alleles (0.0058%); highest among the groups gnomAD compares: Middle Eastern, 0.016%; no homozygotes.

Submissions (6):

Ambry Genetics
Classification: Uncertain significance for Inborn genetic diseases. Last evaluated: 2025-07-02. Review status: criteria provided, single submitter. Criteria: Ambry Variant Classification Scheme 2023. Collection method: clinical testing. Allele origin: germline.

Labcorp Genetics (formerly Invitae), Labcorp
Classification: Uncertain significance for Hereditary spastic paraplegia 11. Last evaluated: 2022-07-12. Review status: criteria provided, single submitter. Criteria: Invitae Variant Classification Sherloc (09022015). Collection method: clinical testing. Allele origin: germline.
Comment: This sequence change replaces isoleucine, which is neutral and non-polar, with threonine, which is neutral and polar, at codon 334 of the SPG11 protein (p.Ile334Thr). This variant is present in population databases (rs760573942, gnomAD 0.004%). This variant has not been reported in the literature in individuals affected with SPG11-related conditions. ClinVar contains an entry for this variant (Variation ID: 499810). Algorithms developed to predict the effect of missense changes on protein structure and function output the following: SIFT: "Tolerated"; PolyPhen-2: "Benign"; Align-GVGD: "Class C0". The threonine amino acid residue is found in multiple mammalian species, which suggests that this missense change does not adversely affect protein function. In summary, the available evidence is currently insufficient to determine the role of this variant in disease. Therefore, it has been classified as a Variant of Uncertain Significance.

Eurofins Ntd Llc (ga)
Classification: Uncertain significance. Last evaluated: 2017-01-24. Review status: criteria provided, single submitter. Criteria: EGL Classification Definitions 2015. Collection method: clinical testing. Allele origin: germline. Observed: 1 variant allele, 1 heterozygote.

Genome-Nilou Lab
Classification: Uncertain significance for Amyotrophic lateral sclerosis type 5. Review status: criteria provided, single submitter. Criteria: ACMG Guidelines, 2015. Collection method: clinical testing. Allele origin: germline.

Genome-Nilou Lab
Classification: Uncertain significance for Charcot-Marie-Tooth disease axonal type 2X. Review status: criteria provided, single submitter. Criteria: ACMG Guidelines, 2015. Collection method: clinical testing. Allele origin: germline.

Genome-Nilou Lab
Classification: Uncertain significance for Hereditary spastic paraplegia 11. Review status: criteria provided, single submitter. Criteria: ACMG Guidelines, 2015. Collection method: clinical testing. Allele origin: germline.

NM_025137.4(SPG11):c.1001T>C (p.Ile334Thr)

Gene: SPG11 (SPG11 vesicle trafficking associated, spatacsin; minus strand). Cytogenetic location: 15q21.1.
Variant type: single nucleotide variant.
Coding change: c.1001T>C on transcript NM_025137.4 (MANE Select); coding-DNA position 1001, T replaced by C.
Protein change: p.Ile334Thr; replaces isoleucine 334 with threonine.
Molecular consequence: missense variant.
Genome position (GRCh38, 1-based): chr15:44,652,135, A>G on the plus strand (T>C on the coding strand, the complement: SPG11 is on the minus strand). VCF-style: chr15-44652135-A-G. GRCh37 (hg19) VCF-style: chr15-44944333-A-G.
Other names: c.1001T>C, p.Ile334Thr (NM_001160227.2); short protein forms I334T.
Identifiers: ClinVar variation 499810 (VCV000499810.14), dbSNP rs760573942, ClinGen allele CA7535657.